The following is an entry in ClinVar:

ClinVar aggregate classification (germline): Uncertain significance (1 of 4 stars; one submission).

Allele frequency attached by ClinVar (database versions not stated): gnomAD exomes below 0.00001; gnomAD 0.00001.
gnomAD v4.1: 3 of 1,613,978 alleles (0.00019%); highest among the groups gnomAD compares: Middle Eastern, 0.033%; no homozygotes.

Submission:

Labcorp Genetics (formerly Invitae), Labcorp
Classification: Uncertain significance. Last evaluated: 2022-07-12. Review status: criteria provided, single submitter. Criteria: Invitae Variant Classification Sherloc (09022015). Collection method: clinical testing. Allele origin: germline.
Comment: This sequence change replaces isoleucine, which is neutral and non-polar, with threonine, which is neutral and polar, at codon 52 of the ACO2 protein (p.Ile52Thr). This variant is not present in population databases (gnomAD no frequency). This variant has not been reported in the literature in individuals affected with ACO2-related conditions. ClinVar contains an entry for this variant (Variation ID: 838835). Advanced modeling of protein sequence and biophysical properties (such as structural, functional, and spatial information, amino acid conservation, physicochemical variation, residue mobility, and thermodynamic stability) performed at Invitae indicates that this missense variant is expected to disrupt ACO2 protein function. In summary, the available evidence is currently insufficient to determine the role of this variant in disease. Therefore, it has been classified as a Variant of Uncertain Significance.

NM_001098.3(ACO2):c.155T>C (p.Ile52Thr)

Gene: ACO2 (aconitase 2; plus strand). Cytogenetic location: 22q13.2.
Variant type: single nucleotide variant.
Coding change: c.155T>C on transcript NM_001098.3 (MANE Select); coding-DNA position 155, T replaced by C.
Protein change: p.Ile52Thr; replaces isoleucine 52 with threonine.
Molecular consequence: missense variant.
Genome position (GRCh38, 1-based): chr22:41,499,844, T>C. VCF-style: chr22-41499844-T-C. GRCh37 (hg19) VCF-style: chr22-41895848-T-C.
Other names: short protein forms I52T.
Identifiers: ClinVar variation 838835 (VCV000838835.9), dbSNP rs2066341303, ClinGen allele CA411712082.